The following is an entry in ClinVar:

NM_001365902.3(NFIX):c.1249G>A (p.Gly417Arg)

Gene: NFIX (nuclear factor I X; plus strand). Cytogenetic location: 19p13.13.
Variant type: single nucleotide variant.
Coding change: c.1249G>A on transcript NM_001365902.3 (MANE Select); coding-DNA position 1249, G replaced by A.
Protein change: p.Gly417Arg; replaces glycine 417 with arginine.
Molecular consequence: missense variant.
Genome position (GRCh38, 1-based): chr19:13,081,850, G>A. VCF-style: chr19-13081850-G-A. GRCh37 (hg19) VCF-style: chr19-13192664-G-A.
Other names: c.1273G>A, p.Gly425Arg (NM_001271043.2); c.1225G>A, p.Gly409Arg (NM_001271044.3, NM_001378404.1); c.1126G>A, p.Gly376Arg (NM_001365982.2); c.1108G>A, p.Gly370Arg (NM_001365983.2); c.1246G>A, p.Gly416Arg (NM_001365984.2, NM_001365985.2); c.1297G>A, p.Gly433Arg (NM_001378405.1); c.1249G>A, p.Gly417Arg (NM_002501.4); c.1249G>A (NM_002501.2); short protein forms G370R, G416R, G376R, G417R, G433R, G409R, G425R.
Identifiers: ClinVar variation 2931402 (VCV002931402.4), dbSNP rs1326313565, ClinGen allele CA404304747.

ClinVar aggregate classification (germline): Uncertain significance. Review status: criteria provided, multiple submitters, no conflicts (2 of 4 stars). 2 submissions from 2 submitters: Uncertain significance (2). Last evaluated 2025-04-21.

Conditions:
Malan overgrowth syndrome (MALNS). Also called: Sotos syndrome 2; NFIX-Related Malan Syndrome; MALAN SYNDROME. Identifiers: Orphanet 420179, MedGen C3553660, MONDO:0013885, OMIM 614753.
Marshall-Smith syndrome (MRSHSS). Identifiers: Orphanet 561, MedGen C0265211, MONDO:0011244, OMIM 602535.
Inborn genetic diseases. Identifiers: MedGen C0950123, MeSH D030342.

Allele frequency attached by ClinVar (database versions not stated): gnomAD exomes below 0.00001; gnomAD 0.00001; TOPMed 0.00001.
gnomAD v4.1: 3 of 1,613,710 alleles (0.00019%); highest among the groups gnomAD compares: Admixed American, 0.0017%; no homozygotes.

Submissions (2):

Ambry Genetics
Classification: Uncertain significance for Inborn genetic diseases. Last evaluated: 2025-04-21. Review status: criteria provided, single submitter. Criteria: Ambry Variant Classification Scheme 2023. Collection method: clinical testing. Allele origin: germline.

Labcorp Genetics (formerly Invitae), Labcorp
Classification: Uncertain significance for Malan overgrowth syndrome; Marshall-Smith syndrome. Last evaluated: 2024-10-14. Review status: criteria provided, single submitter. Criteria: Invitae Variant Classification Sherloc (09022015). Collection method: clinical testing. Allele origin: germline.
Comment: This sequence change replaces glycine, which is neutral and non-polar, with arginine, which is basic and polar, at codon 425 of the NFIX protein (p.Gly425Arg). This variant is present in population databases (no rsID available, gnomAD no frequency). This variant has not been reported in the literature in individuals affected with NFIX-related conditions. Experimental studies and prediction algorithms are not available or were not evaluated, and the functional significance of this variant is currently unknown. In summary, the available evidence is currently insufficient to determine the role of this variant in disease. Therefore, it has been classified as a Variant of Uncertain Significance.